The following is an entry in ClinVar:

NM_177438.3(DICER1):c.1825G>C (p.Asp609His)

Gene: DICER1 (dicer 1, ribonuclease III; minus strand). Cytogenetic location: 14q32.13.
Variant type: single nucleotide variant.
Coding change: c.1825G>C on transcript NM_177438.3 (MANE Select); coding-DNA position 1825, G replaced by C.
Protein change: p.Asp609His; replaces aspartic acid 609 with histidine.
Molecular consequence: missense variant. On other transcripts: non-coding transcript variant (6).
Genome position (GRCh38, 1-based): chr14:95,115,749, C>G on the plus strand (G>C on the coding strand, the complement: DICER1 is on the minus strand). VCF-style: chr14-95115749-C-G. GRCh37 (hg19) VCF-style: chr14-95582086-C-G.
Other names: c.1825G>C, p.Asp609His (NM_001195573.1, NM_001271282.3, NM_001291628.2 and 13 more transcripts); c.1543G>C, p.Asp515His (NM_001395686.1); c.1420G>C, p.Asp474His (NM_001395687.1, NM_001395688.1, NM_001395689.1 and 3 more transcripts); c.1258G>C, p.Asp420His (NM_001395691.1); c.142G>C, p.Asp48His (NM_001395697.1); short protein forms D420H, D474H, D48H, D515H, D609H.
Identifiers: ClinVar variation 1715714 (VCV001715714.6), dbSNP rs114947750, ClinGen allele CA390884048.

ClinVar aggregate classification (germline): Uncertain significance (1 of 4 stars; one submission).

Conditions:
DICER1-related tumor predisposition. Also called: DICER1 syndrome; DICER1-related pleuropulmonary blastoma cancer predisposition syndrome. Identifiers: Orphanet 284343, MedGen C3839822, MONDO:0100216.

Submission:

Labcorp Genetics (formerly Invitae), Labcorp
Classification: Uncertain significance for DICER1-related tumor predisposition. Last evaluated: 2022-08-08. Review status: criteria provided, single submitter. Criteria: Invitae Variant Classification Sherloc (09022015). Collection method: clinical testing. Allele origin: germline.
Comment: In summary, the available evidence is currently insufficient to determine the role of this variant in disease. Therefore, it has been classified as a Variant of Uncertain Significance. Algorithms developed to predict the effect of missense changes on protein structure and function (SIFT, PolyPhen-2, Align-GVGD) all suggest that this variant is likely to be tolerated. This variant has not been reported in the literature in individuals affected with DICER1-related conditions. This variant is not present in population databases (gnomAD no frequency). This sequence change replaces aspartic acid, which is acidic and polar, with histidine, which is basic and polar, at codon 609 of the DICER1 protein (p.Asp609His).